The following is an entry in ClinVar:

ClinVar aggregate classification (germline): Uncertain significance (1 of 4 stars; one submission).

Conditions:
Hereditary hyperferritinemia with congenital cataracts. Also called: Hereditary hyperferritinemia cataract syndrome; Bonneau-Beaumont syndrome; HYPERFERRITINEMIA WITH OR WITHOUT CATARACT. Identifiers: Orphanet 163, MedGen C1833213, MONDO:0010952, OMIM 600886.
Neuroferritinopathy (NBIA3). Also called: BASAL GANGLIA DISEASE, ADULT-ONSET; NEURODEGENERATION WITH BRAIN IRON ACCUMULATION 3. Identifiers: Orphanet 157846, MedGen C1853578, MONDO:0011638, OMIM 606159.

Allele frequency attached by ClinVar (database versions not stated): gnomAD exomes below 0.00001; TOPMed below 0.00001; gnomAD 0.00001.
gnomAD v4.1: 4 of 771,184 alleles (0.00052%); highest among the groups gnomAD compares: Non-Finnish European, 0.00092%; no homozygotes.

Submission:

Labcorp Genetics (formerly Invitae), Labcorp
Classification: Uncertain significance for Neuroferritinopathy; Hereditary hyperferritinemia with congenital cataracts. Last evaluated: 2022-08-23. Review status: criteria provided, single submitter. Criteria: Invitae Variant Classification Sherloc (09022015). Collection method: clinical testing. Allele origin: germline.
Comment: This variant occurs in a non-coding region of the FTL gene. It does not change the encoded amino acid sequence of the FTL protein. This variant is present in population databases (no rsID available, gnomAD 0.007%). This variant has not been reported in the literature in individuals affected with FTL-related conditions. Experimental studies and prediction algorithms are not available or were not evaluated, and the functional significance of this variant is currently unknown. In summary, the available evidence is currently insufficient to determine the role of this variant in disease. Therefore, it has been classified as a Variant of Uncertain Significance.

NM_000146.4(FTL):c.-111C>T

Gene: FTL (ferritin light chain; plus strand). Cytogenetic location: 19q13.33.
Variant type: single nucleotide variant.
Coding change: c.-111C>T on transcript NM_000146.4 (MANE Select); 111 bases upstream of the start codon, C replaced by T.
Molecular consequence: 5 prime UTR variant.
Genome position (GRCh38, 1-based): chr19:48,965,397, C>T. VCF-style: chr19-48965397-C-T. GRCh37 (hg19) VCF-style: chr19-49468654-C-T.
Identifiers: ClinVar variation 1962539 (VCV001962539.5), dbSNP rs1212300429, ClinGen allele CA633889473.
Genomic context (GRCh38, chr19:48,965,397, plus strand): 5'-CTTGCTTCAACAGTGTTTGGACGGAACAGATCCGGGGACTCTCTTCCAGCCTCCGACCGC[C>T]CTCCGATTTCCTCTCCGCTTGCAACCTCCGGGACCATCTTCTCGGCCATCTCCTGCTTCT-3'